The following is an entry in ClinVar:

NM_002693.3(POLG):c.1813C>G (p.Leu605Val)

Gene: POLG (DNA polymerase gamma, catalytic subunit; minus strand). Cytogenetic location: 15q26.1.
Variant type: single nucleotide variant.
Coding change: c.1813C>G on transcript NM_002693.3 (MANE Select); coding-DNA position 1813, C replaced by G.
Protein change: p.Leu605Val; replaces leucine 605 with valine.
Molecular consequence: missense variant.
Genome position (GRCh38, 1-based): chr15:89,325,586, G>C on the plus strand (C>G on the coding strand, the complement: POLG is on the minus strand). VCF-style: chr15-89325586-G-C. GRCh37 (hg19) VCF-style: chr15-89868817-G-C.
Other names: c.1813C>G, p.Leu605Val (NM_001126131.2); short protein forms L605V.
Identifiers: ClinVar variation 2108456 (VCV002108456.4), dbSNP rs2509248985, ClinGen allele CA393759313.

ClinVar aggregate classification (germline): Uncertain significance (1 of 4 stars; one submission).

Conditions:
Progressive sclerosing poliodystrophy (MTDPS4A). Also called: Mitochondrial DNA Depletion Syndrome 4A; Alpers-Huttenlocher Syndrome (AHS); ALPERS PROGRESSIVE INFANTILE POLIODYSTROPHY; NEURONAL DEGENERATION OF CHILDHOOD WITH LIVER DISEASE, PROGRESSIVE; Mitochondrial DNA depletion syndrome 4A (Alpers type); Alpers Syndrome. Identifiers: Orphanet 726, MedGen C0205710, MONDO:0008758, OMIM 203700.

Submission:

Labcorp Genetics (formerly Invitae), Labcorp
Classification: Uncertain significance for Progressive sclerosing poliodystrophy. Last evaluated: 2022-03-10. Review status: criteria provided, single submitter. Criteria: Invitae Variant Classification Sherloc (09022015). Collection method: clinical testing. Allele origin: germline.
Comment: Algorithms developed to predict the effect of sequence changes on RNA splicing suggest that this variant may disrupt the consensus splice site. In summary, the available evidence is currently insufficient to determine the role of this variant in disease. Therefore, it has been classified as a Variant of Uncertain Significance. Algorithms developed to predict the effect of missense changes on protein structure and function are either unavailable or do not agree on the potential impact of this missense change (SIFT: "Deleterious"; PolyPhen-2: "Possibly Damaging"; Align-GVGD: "Class C0"). This variant has not been reported in the literature in individuals affected with POLG-related conditions. This variant is not present in population databases (gnomAD no frequency). This sequence change replaces leucine, which is neutral and non-polar, with valine, which is neutral and non-polar, at codon 605 of the POLG protein (p.Leu605Val).